The following is an entry in ClinVar:

NM_022356.4(P3H1):c.1740G>A (p.Lys580=)

Gene: P3H1 (prolyl 3-hydroxylase 1; minus strand). Cytogenetic location: 1p34.2.
Variant type: single nucleotide variant.
Coding change: c.1740G>A on transcript NM_022356.4 (MANE Select); coding-DNA position 1740, G replaced by A.
Protein change: p.Lys580=; no amino-acid change (lysine 580 retained).
Molecular consequence: synonymous variant.
Genome position (GRCh38, 1-based): chr1:42,748,298, C>T on the plus strand (G>A on the coding strand, the complement: P3H1 is on the minus strand). VCF-style: chr1-42748298-C-T. GRCh37 (hg19) VCF-style: chr1-43213969-C-T.
Other names: c.1740G>A, p.Lys580= (NM_001146289.2, NM_001243246.2).
Identifiers: ClinVar variation 731939 (VCV000731939.14), dbSNP rs201381243, ClinGen allele CA801704.

ClinVar aggregate classification (germline): Likely benign. Review status: criteria provided, multiple submitters, no conflicts (2 of 4 stars). 4 submissions from 4 submitters: Likely benign (3). 1 of the submissions does not count toward it. Last evaluated 2026-01-20.

Conditions:
Osteogenesis imperfecta type 8 (OI8). Identifiers: MedGen C1970458, MONDO:0012581, OMIM 610915.
P3H1-related disorder. Also called: P3H1-related condition.

Allele frequency attached by ClinVar (database versions not stated): gnomAD exomes 0.00002 and 0.00007; ExAC 0.00005; ESP Exome Variant Server 0.00015; gnomAD 0.00020 and 0.00021; TOPMed 0.00031; 1000 Genomes Project 0.00060; 1000 Genomes Project 30x 0.00078.
gnomAD v4.1: 68 of 1,613,872 alleles (0.0042%); highest among the groups gnomAD compares: African/African-American, 0.084%; no homozygotes.

Submissions (4):

Labcorp Genetics (formerly Invitae), Labcorp
Classification: Likely benign for Osteogenesis imperfecta type 8. Last evaluated: 2026-01-20. Review status: criteria provided, single submitter. Criteria: Invitae Variant Classification Sherloc (09022015). Collection method: clinical testing. Allele origin: germline.

Genome-Nilou Lab
Classification: Likely benign for Osteogenesis imperfecta type 8. Last evaluated: 2023-04-11. Review status: criteria provided, single submitter. Criteria: ACMG Guidelines, 2015. Collection method: clinical testing. Allele origin: germline. Affected: no.

GeneDx
Classification: Likely benign. Last evaluated: 2020-12-02. Review status: criteria provided, single submitter. Criteria: GeneDx Variant Classification Process June 2021. Collection method: clinical testing. Allele origin: germline. Affected: yes.

PreventionGenetics, part of Exact Sciences
Classification: Likely benign for P3H1-related condition. Last evaluated: 2024-01-03. Review status: no assertion criteria provided. Collection method: clinical testing. Allele origin: germline. Not counted in ClinVar's aggregate classification.
Comment: This variant is classified as likely benign based on ACMG/AMP sequence variant interpretation guidelines (Richards et al. 2015 PMID: 25741868, with internal and published modifications).